The following is an entry in ClinVar:

ClinVar aggregate classification (germline): Uncertain significance. Review status: criteria provided, multiple submitters, no conflicts (2 of 4 stars). 2 submissions from 2 submitters: Uncertain significance (2). Last evaluated 2024-10-16.

Conditions:
Inborn genetic diseases. Identifiers: MedGen C0950123, MeSH D030342.

Allele frequency attached by ClinVar (database versions not stated): gnomAD exomes below 0.00001 and 0.00001; TOPMed 0.00001; ExAC 0.00002.
gnomAD v4.1: 2 of 1,612,320 alleles (0.00012%); highest among the groups gnomAD compares: Admixed American, 0.0033%; no homozygotes.

Submissions (2):

Ambry Genetics
Classification: Uncertain significance for Inborn genetic diseases. Last evaluated: 2024-10-16. Review status: criteria provided, single submitter. Criteria: Ambry Variant Classification Scheme 2023. Collection method: clinical testing. Allele origin: germline.

GeneDx
Classification: Uncertain significance. Last evaluated: 2019-09-06. Review status: criteria provided, single submitter. Criteria: GeneDx Variant Classification Process June 2021. Collection method: clinical testing. Allele origin: germline. Affected: yes.
Comment: In silico analysis, which includes protein predictors and evolutionary conservation, supports a deleterious effect; Has not been previously published as pathogenic or benign to our knowledge

NM_001364905.1(LRBA):c.1180G>C (p.Ala394Pro)

Gene: LRBA (LPS responsive beige-like anchor protein; minus strand). Cytogenetic location: 4q31.3.
Variant type: single nucleotide variant.
Coding change: c.1180G>C on transcript NM_001364905.1 (MANE Select); coding-DNA position 1180, G replaced by C.
Protein change: p.Ala394Pro; replaces alanine 394 with proline.
Molecular consequence: missense variant.
Genome position (GRCh38, 1-based): chr4:150,908,839, C>G on the plus strand (G>C on the coding strand, the complement: LRBA is on the minus strand). VCF-style: chr4-150908839-C-G. GRCh37 (hg19) VCF-style: chr4-151829991-C-G.
Other names: c.1180G>C, p.Ala394Pro (NM_001199282.3, NM_001367550.1, NM_006726.5); short protein forms A394P.
Identifiers: ClinVar variation 1303373 (VCV001303373.3), dbSNP rs753848083, ClinGen allele CA3103639.